The following is an entry in ClinVar:

ClinVar aggregate classification (germline): Likely benign. Review status: criteria provided, multiple submitters, no conflicts (2 of 4 stars). 3 submissions from 3 submitters: Likely benign (2). 1 of the submissions does not count toward it. Last evaluated 2024-06-14.

Conditions:
EP300-related disorder. Also called: EP300-related disorders; EP300-related condition.

Allele frequency attached by ClinVar (database versions not stated): gnomAD exomes 0.00001; gnomAD 0.00002 and 0.00003; TOPMed 0.00002.
gnomAD v4.1: 40 of 1,614,114 alleles (0.0025%); highest among the groups gnomAD compares: Non-Finnish European, 0.0033%; no homozygotes.

Submissions (3):

Blueprint Genetics
Classification: Likely benign. Last evaluated: 2024-06-14. Review status: criteria provided, single submitter. Criteria: ACMG Guidelines, 2015. Collection method: clinical testing. Allele origin: germline.

GeneDx
Classification: Likely benign. Last evaluated: 2021-02-25. Review status: criteria provided, single submitter. Criteria: GeneDx Variant Classification Process June 2021. Collection method: clinical testing. Allele origin: germline. Affected: yes.

PreventionGenetics, part of Exact Sciences
Classification: Likely benign for EP300-related condition. Last evaluated: 2021-05-26. Review status: no assertion criteria provided. Collection method: clinical testing. Allele origin: germline. Not counted in ClinVar's aggregate classification.
Comment: This variant is classified as likely benign based on ACMG/AMP sequence variant interpretation guidelines (Richards et al. 2015 PMID: 25741868, with internal and published modifications).

NM_001429.4(EP300):c.4857C>T (p.Ile1619=)

Gene: EP300 (EP300 lysine acetyltransferase; plus strand). Cytogenetic location: 22q13.2.
Variant type: single nucleotide variant.
Coding change: c.4857C>T on transcript NM_001429.4 (MANE Select); coding-DNA position 4857, C replaced by T.
Protein change: p.Ile1619=; no amino-acid change (isoleucine 1619 retained).
Molecular consequence: synonymous variant.
Genome position (GRCh38, 1-based): chr22:41,176,324, C>T. VCF-style: chr22-41176324-C-T. GRCh37 (hg19) VCF-style: chr22-41572328-C-T.
Other names: c.4779C>T, p.Ile1593= (NM_001362843.2).
Identifiers: ClinVar variation 1301262 (VCV001301262.4), dbSNP rs1021520881, ClinGen allele CA324557893.